The following is an entry in ClinVar:

ClinVar aggregate classification (germline): Likely benign. Review status: criteria provided, multiple submitters, no conflicts (2 of 4 stars). 3 submissions from 3 submitters: Likely benign (3). Last evaluated 2025-12-19.

Conditions:
Cardiovascular phenotype. Identifiers: MedGen CN230736.
Dilated cardiomyopathy 1G (CMD1G). Identifiers: Orphanet 154, MedGen C1858763, MONDO:0011400, OMIM 604145.
Autosomal recessive limb-girdle muscular dystrophy type 2J (LGMDR10). Also called: MUSCULAR DYSTROPHY, LIMB-GIRDLE, AUTOSOMAL RECESSIVE 10; Limb-girdle muscular dystrophy, type 2J. Identifiers: Orphanet 140922, MedGen C1837342, MONDO:0012127, OMIM 608807.

Allele frequency attached by ClinVar (database versions not stated): ExAC 0.00001; gnomAD exomes 0.00001; gnomAD 0.00002; TOPMed 0.00002; ESP Exome Variant Server 0.00008.
gnomAD v4.1: 21 of 1,612,006 alleles (0.0013%); highest among the groups gnomAD compares: Middle Eastern, 0.033%; no homozygotes.

Submissions (3):

Ambry Genetics
Classification: Likely benign for Cardiovascular phenotype. Last evaluated: 2025-12-19. Review status: criteria provided, single submitter. Criteria: Ambry Variant Classification Scheme 2023. Collection method: clinical testing. Allele origin: germline.

Labcorp Genetics (formerly Invitae), Labcorp
Classification: Likely benign for Dilated cardiomyopathy 1G; Autosomal recessive limb-girdle muscular dystrophy type 2J. Last evaluated: 2025-10-05. Review status: criteria provided, single submitter. Criteria: Invitae Variant Classification Sherloc (09022015). Collection method: clinical testing. Allele origin: germline.

GeneDx
Classification: Likely benign. Last evaluated: 2017-05-25. Review status: criteria provided, single submitter. Criteria: GeneDx Variant Classification (06012015). Collection method: clinical testing. Allele origin: germline. Affected: yes.
Comment: This variant is considered likely benign or benign based on one or more of the following criteria: it is a conservative change, it occurs at a poorly conserved position in the protein, it is predicted to be benign by multiple in silico algorithms, and/or has population frequency not consistent with disease.

NM_001267550.2(TTN):c.51681C>T (p.Ala17227=)

Genes: TTN (titin; minus strand), TTN-AS1 (TTN antisense RNA 1; plus strand). Cytogenetic location: 2q31.2.
Variant type: single nucleotide variant.
Coding change: c.51681C>T on transcript NM_001267550.2 (MANE Select); coding-DNA position 51681, C replaced by T.
Protein change: p.Ala17227=; no amino-acid change (alanine 17227 retained).
Molecular consequence: synonymous variant.
Genome position (GRCh38, 1-based): chr2:178,609,742, G>A on the plus strand (C>T on the coding strand, the complement: TTN is on the minus strand). VCF-style: chr2-178609742-G-A. GRCh37 (hg19) VCF-style: chr2-179474469-G-A.
Other names: c.46758C>T, p.Ala15586= (NM_001256850.1); c.24486C>T, p.Ala8162= (NM_003319.4); c.43977C>T, p.Ala14659= (NM_133378.4); c.24861C>T, p.Ala8287= (NM_133432.3); c.25062C>T, p.Ala8354= (NM_133437.4).
Identifiers: ClinVar variation 509907 (VCV000509907.7), dbSNP rs367779216, ClinGen allele CA1994144.